The following is an entry in ClinVar:

ClinVar aggregate classification (germline): Uncertain significance (1 of 4 stars; one submission).

Conditions:
Cardiovascular phenotype. Identifiers: MedGen CN230736.

Submission:

Ambry Genetics
Classification: Uncertain significance for Cardiovascular phenotype. Last evaluated: 2023-04-28. Review status: criteria provided, single submitter. Criteria: Ambry Variant Classification Scheme 2023. Collection method: clinical testing. Allele origin: germline.
Comment: The c.435+3_435+6delAAGT intronic variant, located in intron 4 of the TECRL gene, results from a deletion of 4 nucleotides within intron 4 of the TECRL gene. This nucleotide position is highly conserved in available vertebrate species. In silico splice site analysis predicts that this alteration will weaken the native splice donor site and will result in the creation or strengthening of a novel splice donor site. Since supporting evidence is limited at this time, the clinical significance of this alteration remains unclear.

NM_001010874.5(TECRL):c.435+3_435+6del

Gene: TECRL (trans-2,3-enoyl-CoA reductase like; minus strand). Cytogenetic location: 4q13.1.
Variant type: Deletion.
Coding change: c.435+3_435+6del on transcript NM_001010874.5 (MANE Select); bases 3 to 6 of the intron after coding-DNA position 435, 4 bases deleted (AAGT; older notation c.435+3_435+6delAAGT).
Molecular consequence: splice donor variant.
Genome position (GRCh38, 1-based): chr4:64,322,683-64,322,686, ACTT deleted on the plus strand (AAGT on the coding strand, the reverse complement: TECRL is on the minus strand); deleting any 4 consecutive bases within chr4:64,322,683-64,322,689 gives the same sequence; the c. name uses the placement nearest the transcript's 3' end. VCF-style (leftmost placement, unchanged base first): chr4-64322682-CACTT-C. GRCh37 (hg19) VCF-style: chr4-65188400-CACTT-C.
Other names: c.435+3_435+6del (NM_001363796.1).
Identifiers: ClinVar variation 2564183 (VCV002564183.2), dbSNP rs1163891234, ClinGen allele CA551657436.